The following is an entry in ClinVar:

NM_021008.4(DEAF1):c.1094C>T (p.Pro365Leu)

Gene: DEAF1 (DEAF1 transcription factor; minus strand). Cytogenetic location: 11p15.5.
Variant type: single nucleotide variant.
Coding change: c.1094C>T on transcript NM_021008.4 (MANE Select); coding-DNA position 1094, C replaced by T.
Protein change: p.Pro365Leu; replaces proline 365 with leucine.
Molecular consequence: missense variant.
Genome position (GRCh38, 1-based): chr11:679,720, G>A on the plus strand (C>T on the coding strand, the complement: DEAF1 is on the minus strand). VCF-style: chr11-679720-G-A. GRCh37 (hg19) VCF-style: chr11-679720-G-A.
Other names: c.827C>T, p.Pro276Leu (NM_001293634.2); c.368C>T, p.Pro123Leu (NM_001367390.1); short protein forms P123L, P365L, P276L.
Identifiers: ClinVar variation 2887625 (VCV002887625.3), dbSNP rs1590005132, ClinGen allele CA378926075.

ClinVar aggregate classification (germline): Uncertain significance (1 of 4 stars; one submission).

Allele frequency attached by ClinVar (database versions not stated): gnomAD exomes below 0.00001; TOPMed below 0.00001.
gnomAD v4.1: 2 of 1,613,500 alleles (0.00012%); highest among the groups gnomAD compares: Admixed American, 0.0017%; no homozygotes.

Submission:

Labcorp Genetics (formerly Invitae), Labcorp
Classification: Uncertain significance. Last evaluated: 2026-01-11. Review status: criteria provided, single submitter. Criteria: Invitae Variant Classification Sherloc (09022015). Collection method: clinical testing. Allele origin: germline.
Comment: This sequence change replaces proline, which is neutral and non-polar, with leucine, which is neutral and non-polar, at codon 365 of the DEAF1 protein (p.Pro365Leu). This variant is not present in population databases (gnomAD no frequency). This variant has not been reported in the literature in individuals affected with DEAF1-related conditions. ClinVar contains an entry for this variant (Variation ID: 2887625). Invitae Evidence Modeling of protein sequence and biophysical properties (such as structural, functional, and spatial information, amino acid conservation, physicochemical variation, residue mobility, and thermodynamic stability) has been performed for this missense variant. However, the output from this modeling did not meet the statistical confidence thresholds required to predict the impact of this variant on DEAF1 protein function. In summary, the available evidence is currently insufficient to determine the role of this variant in disease. Therefore, it has been classified as a Variant of Uncertain Significance.